The following is an entry in ClinVar:

NM_004304.5(ALK):c.4354G>T (p.Ala1452Ser)

Gene: ALK (ALK receptor tyrosine kinase; minus strand). Cytogenetic location: 2p23.2.
Variant type: single nucleotide variant.
Coding change: c.4354G>T on transcript NM_004304.5 (MANE Select); coding-DNA position 4354, G replaced by T.
Protein change: p.Ala1452Ser; replaces alanine 1452 with serine.
Molecular consequence: missense variant.
Genome position (GRCh38, 1-based): chr2:29,193,733, C>A on the plus strand (G>T on the coding strand, the complement: ALK is on the minus strand). VCF-style: chr2-29193733-C-A. GRCh37 (hg19) VCF-style: chr2-29416599-C-A.
Other names: c.1150G>T, p.Ala384Ser (NM_001353765.2); short protein forms A384S, A1452S.
Identifiers: ClinVar variation 4732786 (VCV004732786.1).

ClinVar aggregate classification (germline): Uncertain significance (1 of 4 stars; one submission).

Conditions:
Neuroblastoma, susceptibility to, 3. Also called: ALK-Related Neuroblastic Tumor Susceptibility. Identifiers: Orphanet 635, MedGen C2751681, MONDO:0013083, OMIM 613014.

Submission:

Labcorp Genetics (formerly Invitae), Labcorp
Classification: Uncertain significance for Neuroblastoma, susceptibility to, 3. Last evaluated: 2025-12-09. Review status: criteria provided, single submitter. Criteria: Invitae Variant Classification Sherloc (09022015). Collection method: clinical testing. Allele origin: germline.
Comment: This sequence change replaces alanine, which is neutral and non-polar, with serine, which is neutral and polar, at codon 1452 of the ALK protein (p.Ala1452Ser). This variant is not present in population databases (gnomAD no frequency). This variant has not been reported in the literature in individuals affected with ALK-related conditions. An algorithm developed to predict the effect of missense changes on protein structure and function (PolyPhen-2) suggests that this variant is likely to be tolerated. In summary, the available evidence is currently insufficient to determine the role of this variant in disease. Therefore, it has been classified as a Variant of Uncertain Significance.